The following is an entry in ClinVar:

NM_003072.5(SMARCA4):c.821G>T (p.Gly274Val)

Gene: SMARCA4 (SWI/SNF related BAF chromatin remodeling complex subunit ATPase 4; plus strand). Cytogenetic location: 19p13.2.
Variant type: single nucleotide variant.
Coding change: c.821G>T on transcript NM_003072.5 (MANE Select); coding-DNA position 821, G replaced by T.
Protein change: p.Gly274Val; replaces glycine 274 with valine.
Molecular consequence: missense variant. On other transcripts: non-coding transcript variant (1).
Genome position (GRCh38, 1-based): chr19:10,986,965, G>T. VCF-style: chr19-10986965-G-T. GRCh37 (hg19) VCF-style: chr19-11097641-G-T.
Other names: c.821G>T, p.Gly274Val (NM_001128844.3, NM_001128845.2, NM_001128846.2 and 6 more transcripts); short protein forms G274V.
Identifiers: ClinVar variation 3320774 (VCV003320774.1).

ClinVar aggregate classification (germline): Uncertain significance (1 of 4 stars; one submission).

Conditions:
Hereditary cancer-predisposing syndrome. Also called: Neoplastic Syndromes, Hereditary; Tumor predisposition; Hereditary neoplastic syndrome; Hereditary Cancer Syndrome. Identifiers: Orphanet 140162, MedGen C0027672, MeSH D009386, MONDO:0015356.

Submission:

Ambry Genetics
Classification: Uncertain significance for Hereditary cancer-predisposing syndrome. Last evaluated: 2024-06-16. Review status: criteria provided, single submitter. Criteria: Ambry Variant Classification Scheme 2023. Collection method: clinical testing. Allele origin: germline.
Comment: The p.G274V variant (also known as c.821G>T), located in coding exon 4 of the SMARCA4 gene, results from a G to T substitution at nucleotide position 821. The glycine at codon 274 is replaced by valine, an amino acid with dissimilar properties. This amino acid position is conserved. In addition, this alteration is predicted to be deleterious by in silico analysis. Based on the available evidence, the clinical significance of this variant remains unclear.